The following is an entry in ClinVar:

NM_016148.5(SHANK1):c.5459C>G (p.Pro1820Arg)

Gene: SHANK1 (SH3 and multiple ankyrin repeat domains 1; minus strand). Cytogenetic location: 19q13.33.
Variant type: single nucleotide variant.
Coding change: c.5459C>G on transcript NM_016148.5 (MANE Select); coding-DNA position 5459, C replaced by G.
Protein change: p.Pro1820Arg; replaces proline 1820 with arginine.
Molecular consequence: missense variant.
Genome position (GRCh38, 1-based): chr19:50,666,501, G>C on the plus strand (C>G on the coding strand, the complement: SHANK1 is on the minus strand). VCF-style: chr19-50666501-G-C. GRCh37 (hg19) VCF-style: chr19-51169758-G-C.
Other names: short protein forms P1820R.
Identifiers: ClinVar variation 4057061 (VCV004057061.1).

ClinVar aggregate classification (germline): Uncertain significance (1 of 4 stars; one submission).

gnomAD v4.1: 9 of 1,591,848 alleles (0.00057%); highest among the groups gnomAD compares: South Asian, 0.009%; 1 homozygote.

Submission:

GeneDx
Classification: Uncertain significance. Last evaluated: 2025-01-08. Review status: criteria provided, single submitter. Criteria: GeneDx Variant Classification Process June 2021. Collection method: clinical testing. Allele origin: germline. Affected: yes.
Comment: Not observed at significant frequency in large population cohorts (gnomAD); In silico analysis supports that this missense variant has a deleterious effect on protein structure/function; Has not been previously published as pathogenic or benign to our knowledge